The following is an entry in ClinVar:

NM_001374353.1(GLI2):c.664C>G (p.Arg222Gly)

Gene: GLI2 (GLI family zinc finger 2; plus strand). Cytogenetic location: 2q14.2.
Variant type: single nucleotide variant.
Coding change: c.664C>G on transcript NM_001374353.1 (MANE Select); coding-DNA position 664, C replaced by G.
Protein change: p.Arg222Gly; replaces arginine 222 with glycine.
Molecular consequence: missense variant.
Genome position (GRCh38, 1-based): chr2:120,968,734, C>G. VCF-style: chr2-120968734-C-G. GRCh37 (hg19) VCF-style: chr2-121726310-C-G.
Other names: c.664C>G, p.Arg222Gly (NM_001371271.1, NM_005270.5); c.289C>G, p.Arg97Gly (NM_001374354.1); short protein forms R222G, R97G.
Identifiers: ClinVar variation 1696934 (VCV001696934.2), dbSNP rs763688196, ClinGen allele CA1851626.
Genomic context (GRCh38, chr2:120,968,734, plus strand): 5'-CCCAGTGATGCTGACCTGTCTTGTGTTGACTATCCCACAGTGTCCCGTTTCTCCAGCCCG[C>G]GGGTGACGCCCCGCCTGAGCCGCAAGCGGGCGCTGTCCATCTCCCCACTCTCAGACGCCA-3'
Protein context (NP_001361282.1, residues 212-232): PVDVSRFSSP[Arg222Gly]VTPRLSRKRA

ClinVar aggregate classification (germline): Uncertain significance (1 of 4 stars; one submission).

Allele frequency attached by ClinVar (database versions not stated): ExAC 0.00001.
gnomAD v4.1: 7 of 1,613,446 alleles (0.00043%); highest among the groups gnomAD compares: Non-Finnish European, 0.00051%; 1 homozygote.

Submission:

GeneDx
Classification: Uncertain significance. Last evaluated: 2022-01-14. Review status: criteria provided, single submitter. Criteria: GeneDx Variant Classification Process June 2021. Collection method: clinical testing. Allele origin: germline. Affected: yes.
Comment: Not observed at significant frequency in large population cohorts (gnomAD); In silico analysis supports that this missense variant has a deleterious effect on protein structure/function; Has not been previously published as pathogenic or benign to our knowledge